The following is an entry in ClinVar:

ClinVar aggregate classification (germline): Uncertain significance (1 of 4 stars; one submission).

Conditions:
3-methylcrotonyl-CoA carboxylase 2 deficiency. Also called: METHYLCROTONYLGLYCINURIA, TYPE II; 3 alpha methylcrotonyl-CoA carboxylase 2 deficiency; 3 alpha methylcrotonylglycinuria 2; MCC 2 deficiency; Methylcrotonylglycinuria type 2. Identifiers: Orphanet 6, MedGen C1859499, MONDO:0008862, OMIM 210210.

Submission:

Labcorp Genetics (formerly Invitae), Labcorp
Classification: Uncertain significance for 3-methylcrotonyl-CoA carboxylase 2 deficiency. Last evaluated: 2022-07-19. Review status: criteria provided, single submitter. Criteria: Invitae Variant Classification Sherloc (09022015). Collection method: clinical testing. Allele origin: germline.
Comment: A copy number gain of the genomic region encompassing the full coding sequence of the MCCC2 gene has been identified. The boundaries of this event are unknown as they extend beyond the assayed region for this gene and therefore may encompass additional genes. As the precise location of this event is unknown, it may be in tandem or it may be located elsewhere in the genome. This variant has not been reported in the literature in individuals affected with MCCC2-related conditions. In summary, the available evidence is currently insufficient to determine the role of this variant in disease. Therefore, it has been classified as a Variant of Uncertain Significance.

NC_000005.9:g.(?_70808992)_(70952687_?)dup

Genes: BDP1 (BDP1 general transcription factor IIIB subunit; plus strand), MCCC2 (methylcrotonyl-CoA carboxylase subunit 2; plus strand). Cytogenetic location: 5q13.2.
Variant type: Duplication.
Identifiers: ClinVar variation 2426734 (VCV002426734.5).